The following is an entry in ClinVar:

NM_002408.4(MGAT2):c.1085G>A (p.Trp362Ter)

Gene: MGAT2 (alpha-1,6-mannosyl-glycoprotein 2-beta-N-acetylglucosaminyltransferase; plus strand). Cytogenetic location: 14q21.3.
Variant type: single nucleotide variant.
Coding change: c.1085G>A on transcript NM_002408.4 (MANE Select); coding-DNA position 1085, G replaced by A.
Protein change: p.Trp362Ter; replaces tryptophan 362 with a stop codon.
Molecular consequence: nonsense.
Genome position (GRCh38, 1-based): chr14:49,622,353, G>A. VCF-style: chr14-49622353-G-A. GRCh37 (hg19) VCF-style: chr14-50089071-G-A.
Other names: short protein forms W362*.
Identifiers: ClinVar variation 3061920 (VCV003061920.1), dbSNP rs1882879689, ClinGen allele CA389621532.

ClinVar aggregate classification (germline): Likely pathogenic (1 of 4 stars; one submission).

Conditions:
MGAT2-congenital disorder of glycosylation. Also called: MGAT2-CDG; Congenital disorder of glycosylation, type IIa; CDG IIa; MENTAL RETARDATION, GROWTH RETARDATION, PROMINENT COLUMELLA, AND OPEN MOUTH; Alkuraya syndrome. Identifiers: Orphanet 79329, MedGen C2931008, MONDO:0008908, OMIM 212066.

Allele frequency attached by ClinVar (database versions not stated): TOPMed below 0.00001.

Submission:

MVZ Medizinische Genetik Mainz
Classification: Likely pathogenic for MGAT2-congenital disorder of glycosylation. Last evaluated: 2023-11-02. Review status: criteria provided, single submitter. Criteria: UK Practice Guidelines For Variant Classification V4 01 2020. Collection method: clinical testing. Allele origin: germline. Inheritance: Autosomal recessive inheritance. Affected: yes. Observed: 1 variant allele.
Comment: PVS1_STR,PP4_MOD,PM2_SUP,PM3_SUP